The following is an entry in ClinVar:

ClinVar aggregate classification (germline): Benign. Review status: criteria provided, multiple submitters, no conflicts (2 of 4 stars). 5 submissions from 5 submitters: Benign (5). Last evaluated 2026-02-02.

Conditions:
Congenital myasthenic syndrome 12 (CMS12). Also called: Myasthenia, congenital, 12, with tubular aggregates; MYASTHENIC SYNDROME, CONGENITAL, WITH TUBULAR AGGREGATES 1. Identifiers: Orphanet 353327, Orphanet 590, MedGen C3552335, MONDO:0012518, OMIM 610542.

Allele frequency attached by ClinVar (database versions not stated): gnomAD exomes 0.57447; TOPMed 0.66582; ExAC 0.60925; ESP Exome Variant Server 0.69197; 1000 Genomes Project 0.65655; 1000 Genomes Project 30x 0.66302.
gnomAD v4.1: 882,009 of 1,484,594 alleles (59%); highest among the groups gnomAD compares: African/African-American, 87%; 266,085 homozygotes.

Submissions (5):

Labcorp Genetics (formerly Invitae), Labcorp
Classification: Benign for Congenital myasthenic syndrome 12. Last evaluated: 2026-02-02. Review status: criteria provided, single submitter. Criteria: Invitae Variant Classification Sherloc (09022015). Collection method: clinical testing. Allele origin: germline.

Genome-Nilou Lab
Classification: Benign for Congenital myasthenic syndrome 12. Last evaluated: 2021-08-10. Review status: criteria provided, single submitter. Criteria: ACMG Guidelines, 2015. Collection method: clinical testing. Allele origin: germline. Affected: no.

GeneDx
Classification: Benign. Last evaluated: 2018-06-16. Review status: criteria provided, single submitter. Criteria: GeneDx Variant Classification (06012015). Collection method: clinical testing. Allele origin: germline. Affected: yes.
Comment: This variant is considered likely benign or benign based on one or more of the following criteria: it is a conservative change, it occurs at a poorly conserved position in the protein, it is predicted to be benign by multiple in silico algorithms, and/or has population frequency not consistent with disease.

Breakthrough Genomics
Classification: Benign. Review status: criteria provided, single submitter. Criteria: ACMG Guidelines, 2015. Collection method: not provided. Allele origin: germline. Inheritance: Autosomal recessive inheritance. Affected: yes.

PreventionGenetics, part of Exact Sciences
Classification: Benign. Review status: criteria provided, single submitter. Criteria: ACMG Guidelines, 2015. Collection method: clinical testing. Allele origin: germline.

NM_001244710.2(GFPT1):c.7+36T>C

Gene: GFPT1 (glutamine--fructose-6-phosphate transaminase 1; minus strand). Cytogenetic location: 2p13.3.
Variant type: single nucleotide variant.
Coding change: c.7+36T>C on transcript NM_001244710.2 (MANE Select); 36 bases into the intron after coding-DNA position 7, T replaced by C.
Molecular consequence: intron variant.
Genome position (GRCh38, 1-based): chr2:69,387,029, A>G on the plus strand (T>C on the coding strand, the complement: GFPT1 is on the minus strand). VCF-style: chr2-69387029-A-G. GRCh37 (hg19) VCF-style: chr2-69614161-A-G.
Other names: c.7+36T>C (NM_002056.4).
Identifiers: ClinVar variation 258544 (VCV000258544.12), dbSNP rs6720415, ClinGen allele CA1694014.